The following is an entry in ClinVar:

NM_153240.5(NPHP3):c.1157del (p.Asn386fs)

Genes: NPHP3 (nephrocystin 3; minus strand), NPHP3-ACAD11 (NPHP3-ACAD11 readthrough (NMD candidate); minus strand). Cytogenetic location: 3q22.1.
Variant type: Deletion.
Coding change: c.1157del on transcript NM_153240.5 (MANE Select); coding-DNA position 1157, one base deleted (A; older notation c.1157delA).
Protein change: p.Asn386fs; shifts the reading frame from asparagine 386.
Molecular consequence: frameshift variant. On other transcripts: non-coding transcript variant (1).
Genome position (GRCh38, 1-based): chr3:132,708,219, T deleted on the plus strand (A on the coding strand, the reverse complement: NPHP3 is on the minus strand); the first of 5 consecutive T bases (chr3:132,708,219-132,708,223); deleting any one gives the same sequence. VCF-style (leftmost placement, unchanged base first): chr3-132708218-GT-G. GRCh37 (hg19) VCF-style: chr3-132427062-GT-G.
Other names: short protein forms N386fs.
Identifiers: ClinVar variation 3075955 (VCV003075955.1), dbSNP rs2530464195, ClinGen allele CA2825001194.

ClinVar aggregate classification (germline): Likely pathogenic (1 of 4 stars; one submission).

Conditions:
Nephronophthisis. Also called: Juvenile Nephronophthisis. Identifiers: Orphanet 655, MedGen C0687120, MONDO:0019005, HP:0000090.

Submission:

Laboratory for Molecular Medicine, Mass General Brigham Personalized Medicine
Classification: Likely pathogenic for Nephronophthisis. Last evaluated: 2023-09-12. Review status: criteria provided, single submitter. Criteria: ACMG Guidelines, 2015. Collection method: clinical testing. Allele origin: germline. Inheritance: Autosomal recessive inheritance.
Comment: The p.Asn386ThrfsX8 variant in NPHP3 has not been previously reported in individuals with NPHP3-associated disorders nor in large population studies. This variant is predicted to cause a frameshift, which alters the protein’s amino acid sequence beginning at position 386 and leads to a premature termination codon 8 amino acids downstream. This alteration is then predicted to lead to a truncated or absent protein. Biallelic loss of function of the NPHP3 gene is an established disease mechanism in autosomal recessive nephronophthisis. In summary, although additional studies are required to fully establish its clinical significance, this variant meets criteria to be classified as likely pathogenic for autosomal recessive nephronophthisis. ACMG/AMP Criteria applied: PVS1, PM2_Supporting.